The following is an entry in ClinVar:

ClinVar aggregate classification (germline): Likely benign. Review status: criteria provided, multiple submitters, no conflicts (2 of 4 stars). 2 submissions from 2 submitters: Likely benign (2). Last evaluated 2022-08-01.

Allele frequency attached by ClinVar (database versions not stated): ExAC 0.00007; gnomAD 0.00008 and 0.00009; gnomAD exomes 0.00008 and 0.00011; TOPMed 0.00010; ESP Exome Variant Server 0.00015.
gnomAD v4.1: 178 of 1,613,630 alleles (0.011%); highest among the groups gnomAD compares: Non-Finnish European, 0.014%; no homozygotes.

Submissions (2):

CeGaT Center for Human Genetics Tuebingen
Classification: Likely benign. Last evaluated: 2022-08-01. Review status: criteria provided, single submitter. Criteria: CeGaT Center For Human Genetics Tuebingen Variant Classification Criteria Version 2. Collection method: clinical testing. Allele origin: germline. Affected: yes. Observed: 1 variant allele.
Comment: CIT: BP4, BP7

Labcorp Genetics (formerly Invitae), Labcorp
Classification: Likely benign. Last evaluated: 2019-12-31. Review status: criteria provided, single submitter. Criteria: Invitae Variant Classification Sherloc (09022015). Collection method: clinical testing. Allele origin: germline.

NM_001206999.2(CIT):c.4566T>C (p.Asn1522=)

Gene: CIT (citron rho-interacting serine/threonine kinase; minus strand). Cytogenetic location: 12q24.23.
Variant type: single nucleotide variant.
Coding change: c.4566T>C on transcript NM_001206999.2 (MANE Select); coding-DNA position 4566, T replaced by C.
Protein change: p.Asn1522=; no amino-acid change (asparagine 1522 retained).
Molecular consequence: synonymous variant.
Genome position (GRCh38, 1-based): chr12:119,713,216, A>G on the plus strand (T>C on the coding strand, the complement: CIT is on the minus strand). VCF-style: chr12-119713216-A-G. GRCh37 (hg19) VCF-style: chr12-120151021-A-G.
Other names: c.4440T>C, p.Asn1480= (NM_007174.3).
Identifiers: ClinVar variation 750894 (VCV000750894.28), dbSNP rs368258615, ClinGen allele CA6821190.